The following is an entry in ClinVar:

NM_052859.4(RFT1):c.511G>C (p.Val171Leu)

Gene: RFT1 (RFT1 glycolipid translocator homolog; minus strand). Cytogenetic location: 3p21.1.
Variant type: single nucleotide variant.
Coding change: c.511G>C on transcript NM_052859.4 (MANE Select); coding-DNA position 511, G replaced by C.
Protein change: p.Val171Leu; replaces valine 171 with leucine.
Molecular consequence: missense variant.
Genome position (GRCh38, 1-based): chr3:53,121,746, C>G on the plus strand (G>C on the coding strand, the complement: RFT1 is on the minus strand). VCF-style: chr3-53121746-C-G. GRCh37 (hg19) VCF-style: chr3-53155762-C-G.
Other names: short protein forms V171L.
Identifiers: ClinVar variation 1989017 (VCV001989017.1), dbSNP rs561602179, ClinGen allele CA353221175.
Genomic context (GRCh38, chr3:53,121,746, plus strand): 5'-CCATGATTCTTACCTGGGCCAAAGAGAAAATGTACAATCCCCAGTGAGGCAACCACAGCA[C>G]GAGAAAAGCTGTCAGAACGCTCTTAAGAATTACCGACAGGCTCTCTGCAATCACCTGCAA-3'
Protein context (NP_443091.1, residues 161-181): ILKSVLTAFL[Val171Leu]LWLPHWGLYI

ClinVar aggregate classification (germline): Uncertain significance (1 of 4 stars; one submission).

Conditions:
RFT1-congenital disorder of glycosylation (CDG1N). Also called: Congenital disorder of glycosylation type In; RFT1-CDG; CDG In. Identifiers: Orphanet 244310, MedGen C2677590, MONDO:0012783, OMIM 612015.

gnomAD v4.1: 7 of 1,613,938 alleles (0.00043%); highest among the groups gnomAD compares: Admixed American, 0.0017%; no homozygotes.

Submission:

Labcorp Genetics (formerly Invitae), Labcorp
Classification: Uncertain significance for RFT1-congenital disorder of glycosylation. Last evaluated: 2022-08-09. Review status: criteria provided, single submitter. Criteria: Invitae Variant Classification Sherloc (09022015). Collection method: clinical testing. Allele origin: germline.
Comment: This sequence change replaces valine, which is neutral and non-polar, with leucine, which is neutral and non-polar, at codon 171 of the RFT1 protein (p.Val171Leu). This variant is not present in population databases (gnomAD no frequency). This variant has not been reported in the literature in individuals affected with RFT1-related conditions. Algorithms developed to predict the effect of missense changes on protein structure and function are either unavailable or do not agree on the potential impact of this missense change (SIFT: "Tolerated"; PolyPhen-2: "Possibly Damaging"; Align-GVGD: "Class C0"). In summary, the available evidence is currently insufficient to determine the role of this variant in disease. Therefore, it has been classified as a Variant of Uncertain Significance.